The following is an entry in ClinVar:

ClinVar aggregate classification (germline): Likely benign. Review status: criteria provided, multiple submitters, no conflicts (2 of 4 stars). 2 submissions from 2 submitters: Likely benign (2). Last evaluated 2024-04-16.

Conditions:
RYR1-related disorder. Also called: RYR1-related disorders; RYR1-related condition. Identifiers: MedGen CN239331.
Malignant hyperthermia, susceptibility to, 1 (MHS1). Also called: Malignant hyperthermia suceptibility 1; Anesthesia related hyperthermia; Malignant hyperpyrexia; Fulminating hyperpyrexia; Pharmacogenic myopathy; RYR1-Related Malignant Hyperthermia Susceptibility. Identifiers: Orphanet 423, MedGen C2930980, MONDO:0007783, OMIM 145600.

Allele frequency attached by ClinVar (database versions not stated): gnomAD exomes below 0.00001.
gnomAD v4.1: 2 of 1,614,094 alleles (0.00012%); highest among the groups gnomAD compares: Non-Finnish European, 0.00017%; no homozygotes.

Submissions (2):

All of Us Research Program, National Institutes of Health
Classification: Likely benign for Malignant hyperthermia, susceptibility to, 1. Last evaluated: 2024-04-16. Review status: criteria provided, single submitter. Criteria: ACMG Guidelines, 2015. Collection method: clinical testing. Allele origin: germline. Inheritance: Autosomal dominant inheritance. Observed: 1 variant allele, 1 heterozygote.
Comment: This study involves interpretation of variants in research participants for the purpose of population health screening. Participant phenotype was not available at the time of variant classification. Additional details can be found in publication PMID: 35346344, PMCID: PMC8962531

Labcorp Genetics (formerly Invitae), Labcorp
Classification: Likely benign for RYR1-related disorder. Last evaluated: 2022-12-20. Review status: criteria provided, single submitter. Criteria: Invitae Variant Classification Sherloc (09022015). Collection method: clinical testing. Allele origin: germline.

NM_000540.3(RYR1):c.3382-8C>A

Gene: RYR1 (ryanodine receptor 1; plus strand). Cytogenetic location: 19q13.2.
Variant type: single nucleotide variant.
Coding change: c.3382-8C>A on transcript NM_000540.3 (MANE Select); 8 bases into the intron before coding-DNA position 3382, C replaced by A.
Molecular consequence: intron variant.
Genome position (GRCh38, 1-based): chr19:38,468,958, C>A. VCF-style: chr19-38468958-C-A. GRCh37 (hg19) VCF-style: chr19-38959598-C-A.
Other names: c.3382-8C>A (NM_001042723.2).
Identifiers: ClinVar variation 2913465 (VCV002913465.4), dbSNP rs2514112365, ClinGen allele CA2584896408.
Genomic context (GRCh38, chr19:38,468,958, plus strand): 5'-CTGCTTCCTTATCTCTCCATTTCTCTGTGTGTCTCCCCACACCATGTCTTCTCTGGCTGT[C>A]CTCACAGGGCCAGCGCTGGCACTTGGGCAGTGAACCATTTGGGCGCCCCTGGCAGCCGGG-3'